The following is an entry in ClinVar:

ClinVar aggregate classification (germline): Uncertain significance (1 of 4 stars; one submission).

Conditions:
RASopathy. Also called: Noonan spectrum disorder; rasopathies. Identifiers: Orphanet 536391, MedGen C5555857, MONDO:0021060.

Submission:

Labcorp Genetics (formerly Invitae), Labcorp
Classification: Uncertain significance for RASopathy. Last evaluated: 2023-09-22. Review status: criteria provided, single submitter. Criteria: Invitae Variant Classification Sherloc (09022015). Collection method: clinical testing. Allele origin: germline.
Comment: This variant has not been reported in the literature in individuals affected with PTPN11-related conditions. In summary, the available evidence is currently insufficient to determine the role of this variant in disease. Therefore, it has been classified as a Variant of Uncertain Significance. Algorithms developed to predict the effect of sequence changes on RNA splicing suggest that this variant may create or strengthen a splice site. This variant is not present in population databases (gnomAD no frequency). This sequence change affects codon 442 of the PTPN11 mRNA. It is a 'silent' change, meaning that it does not change the encoded amino acid sequence of the PTPN11 protein.

NM_002834.5(PTPN11):c.1326G>A (p.Val442=)

Gene: PTPN11 (protein tyrosine phosphatase non-receptor type 11; plus strand). Cytogenetic location: 12q24.13.
Variant type: single nucleotide variant.
Coding change: c.1326G>A on transcript NM_002834.5 (MANE Select); coding-DNA position 1326, G replaced by A.
Protein change: p.Val442=; no amino-acid change (valine 442 retained).
Molecular consequence: synonymous variant.
Genome position (GRCh38, 1-based): chr12:112,486,576, G>A. VCF-style: chr12-112486576-G-A. GRCh37 (hg19) VCF-style: chr12-112924380-G-A.
Other names: c.1338G>A, p.Val446= (NM_001330437.2); c.1323G>A, p.Val441= (NM_001374625.1); c.1326G>A, p.Val442= (NM_080601.3).
Identifiers: ClinVar variation 2762633 (VCV002762633.3), dbSNP rs2135912740, ClinGen allele CA481880931.